The following is an entry in ClinVar:

NM_000391.4(TPP1):c.1076-7C>T

Gene: TPP1 (tripeptidyl peptidase 1; minus strand). Cytogenetic location: 11p15.4.
Variant type: single nucleotide variant.
Coding change: c.1076-7C>T on transcript NM_000391.4 (MANE Select); 7 bases into the intron before coding-DNA position 1076, C replaced by T.
Molecular consequence: intron variant.
Genome position (GRCh38, 1-based): chr11:6,616,081, G>A on the plus strand (C>T on the coding strand, the complement: TPP1 is on the minus strand). VCF-style: chr11-6616081-G-A. GRCh37 (hg19) VCF-style: chr11-6637312-G-A.
Identifiers: ClinVar variation 516765 (VCV000516765.9), dbSNP rs746276384, ClinGen allele CA5858759.
Genomic context (GRCh38, chr11:6,616,081, plus strand): 5'-TAGGGCGGAACTGGTGTCTTCCAGAGACAGACCAACACCCGGCCCCACTGTCACCTGAGA[G>A]AGACCAAGTGTAGCATTCATATTAATTGGTTAGGGCTTAGTATGTGGGTTCGGATGTCAG-3'

ClinVar aggregate classification (germline): Likely benign. Review status: criteria provided, multiple submitters, no conflicts (2 of 4 stars). 2 submissions from 2 submitters: Likely benign (2). Last evaluated 2025-09-13.

Allele frequency attached by ClinVar (database versions not stated): ExAC 0.00001; gnomAD 0.00001; gnomAD exomes 0.00001; TOPMed 0.00001.
gnomAD v4.1: 9 of 1,614,054 alleles (0.00056%); highest among the groups gnomAD compares: Admixed American, 0.0017%; no homozygotes.

Submissions (2):

Labcorp Genetics (formerly Invitae), Labcorp
Classification: Likely benign. Last evaluated: 2025-09-13. Review status: criteria provided, single submitter. Criteria: Invitae Variant Classification Sherloc (09022015). Collection method: clinical testing. Allele origin: germline.

GeneDx
Classification: Likely benign. Last evaluated: 2017-12-29. Review status: criteria provided, single submitter. Criteria: GeneDx Variant Classification (06012015). Collection method: clinical testing. Allele origin: germline. Affected: yes.
Comment: This variant is considered likely benign or benign based on one or more of the following criteria: it is a conservative change, it occurs at a poorly conserved position in the protein, it is predicted to be benign by multiple in silico algorithms, and/or has population frequency not consistent with disease.